The following is an entry in ClinVar:

ClinVar aggregate classification (germline): Conflicting classifications of pathogenicity. Review status: criteria provided, conflicting classifications (1 of 4 stars). 3 submissions from 2 submitters: Uncertain significance (1); Likely benign (2). Last evaluated 2021-06-10.

Conditions:
Severe early-childhood-onset retinal dystrophy (STGD1). Also called: STGD; Stargardt macular dystrophy; Juvenile onset macular degeneration; Stargardt disease 1; MACULAR DYSTROPHY WITH FLECKS, TYPE 1. Identifiers: Orphanet 364055, Orphanet 827, MedGen C1855465, MeSH D000080362, MONDO:0009549, OMIM 248200.
Achromatopsia 3 (ACHM3). Also called: PINGELAPESE BLINDNESS; TOTAL COLORBLINDNESS WITH MYOPIA; ROD MONOCHROMACY 1; ROD MONOCHROMATISM 1; ACHROMATOPSIA WITH MYOPIA. Identifiers: Orphanet 49382, MedGen C1849792, MONDO:0009875, OMIM 262300.

Allele frequency attached by ClinVar (database versions not stated): gnomAD 0.00087 and 0.00146; 1000 Genomes Project 0.00439; TOPMed 0.00102; 1000 Genomes Project 30x 0.00406.
gnomAD v4.1: 1,906 of 745,864 alleles (0.26%); highest among the groups gnomAD compares: South Asian, 1.8%; 24 homozygotes.

Submissions (3):

Genome-Nilou Lab
Classification: Likely benign for Achromatopsia 3. Last evaluated: 2021-06-10. Review status: criteria provided, single submitter. Criteria: ACMG Guidelines, 2015. Collection method: clinical testing. Allele origin: germline. Affected: no.

Illumina Laboratory Services, Illumina
Classification: Uncertain significance for Severe early-childhood-onset retinal dystrophy. Last evaluated: 2018-01-12. Review status: criteria provided, single submitter. Criteria: ICSL Variant Classification Criteria 13 December 2019. Collection method: clinical testing. Allele origin: germline.

Illumina Laboratory Services, Illumina
Classification: Likely benign for Achromatopsia 3. Last evaluated: 2018-01-12. Review status: criteria provided, single submitter. Criteria: ICSL Variant Classification Criteria 13 December 2019. Collection method: clinical testing. Allele origin: germline.
Comment: This variant was observed in the ICSL laboratory as part of a predisposition screen in an ostensibly healthy population. It had not been previously curated by ICSL or reported in the Human Gene Mutation Database (HGMD: prior to June 1st, 2018), and was therefore a candidate for classification through an automated scoring system. Utilizing variant allele frequency, disease prevalence and penetrance estimates, and inheritance mode, an automated score was calculated to assess if this variant is too frequent to cause the disease. Based on the score and internal cut-off values, a variant classified as likely benign is not then subjected to further curation. The score for this variant resulted in a classification of likely benign for this disease.

NM_019098.5(CNGB3):c.*125G>C

Gene: CNGB3 (cyclic nucleotide gated channel subunit beta 3; minus strand). Cytogenetic location: 8q21.3.
Variant type: single nucleotide variant.
Coding change: c.*125G>C on transcript NM_019098.5 (MANE Select); 125 bases downstream of the stop codon, G replaced by C.
Molecular consequence: 3 prime UTR variant.
Genome position (GRCh38, 1-based): chr8:86,575,679, C>G on the plus strand (G>C on the coding strand, the complement: CNGB3 is on the minus strand). VCF-style: chr8-86575679-C-G. GRCh37 (hg19) VCF-style: chr8-87587907-C-G.
Identifiers: ClinVar variation 363863 (VCV000363863.8), dbSNP rs186370374, ClinGen allele CA10628358.
Genomic context (GRCh38, chr8:86,575,679, plus strand): 5'-AATAATCTTCTTATTACCACTGCATGAAATCACACTCTCAGATAAGTCCTAGAAACTAAG[C>G]TAGGGATTTGCCTTTCGTTTCTCAAGGGTCCCAGCATGTCGTTTCCCCTCGTTAATTTAA-3'